The following is an entry in ClinVar:

NM_021971.4(GMPPB):c.929G>T (p.Trp310Leu)

Gene: GMPPB (GDP-mannose pyrophosphorylase B; minus strand). Cytogenetic location: 3p21.31.
Variant type: single nucleotide variant.
Coding change: c.929G>T on transcript NM_021971.4 (MANE Select); coding-DNA position 929, G replaced by T.
Protein change: p.Trp310Leu; replaces tryptophan 310 with leucine.
Molecular consequence: missense variant.
Genome position (GRCh38, 1-based): chr3:49,721,987, C>A on the plus strand (G>T on the coding strand, the complement: GMPPB is on the minus strand). VCF-style: chr3-49721987-C-A. GRCh37 (hg19) VCF-style: chr3-49759420-C-A.
Other names: c.929G>T, p.Trp310Leu (NM_013334.4); short protein forms W310L.
Identifiers: ClinVar variation 1713815 (VCV001713815.6), dbSNP rs2544752420, ClinGen allele CA352826829.

ClinVar aggregate classification (germline): Uncertain significance (1 of 4 stars; one submission).

Conditions:
Autosomal recessive limb-girdle muscular dystrophy type 2T. Also called: MUSCULAR DYSTROPHY-DYSTROGLYCANOPATHY, LIMB-GIRDLE, GMPPB-RELATED; MUSCULAR DYSTROPHY, LIMB-GIRDLE, TYPE 2T; Limb-girdle muscular dystrophy-dystroglycanopathy, type C14; Muscular dystrophy-dystroglycanopathy (limb-girdle), type c, 14. Identifiers: Orphanet 363623, MedGen C4518000, MONDO:0014142, OMIM 615352.
Muscular dystrophy-dystroglycanopathy (congenital with impaired intellectual development), type B, 14. Also called: Muscular dystrophy-dystroglycanopathy (congenital with intellectual disability), type B14; MUSCULAR DYSTROPHY, CONGENITAL, GMPPB-RELATED; Congenital muscular dystrophy-dystroglycanopathy with mental retardation, type B14. Identifiers: MedGen C3809221, MONDO:0014141, OMIM 615351.
Muscular dystrophy-dystroglycanopathy (congenital with brain and eye anomalies), type A14. Also called: WALKER-WARBURG SYNDROME OR MUSCLE-EYE-BRAIN DISEASE, GMPPB-RELATED; Congenital Muscular Dystrophy-Dystroglycanopathy with Brain and Eye Anomalies Type A 14; Congenital muscular dystrophy-dystroglycanopathy with brain and eye anomalies, type A14; Muscular dystrophy-dystroglycanopathy (congenital with brain and eye anomalies), type a, 14. Identifiers: Orphanet 588, MedGen C3809216, MONDO:0014140, OMIM 615350.

gnomAD v4.1: 2 of 1,613,662 alleles (0.00012%); highest among the groups gnomAD compares: Non-Finnish European, 0.00017%; no homozygotes.

Submission:

Labcorp Genetics (formerly Invitae), Labcorp
Classification: Uncertain significance for Autosomal recessive limb-girdle muscular dystrophy type 2T; Muscular dystrophy-dystroglycanopathy (congenital with brain and eye anomalies), type A14; Muscular dystrophy-dystroglycanopathy (congenital with impaired intellectual development), type B, 14. Last evaluated: 2022-08-29. Review status: criteria provided, single submitter. Criteria: Invitae Variant Classification Sherloc (09022015). Collection method: clinical testing. Allele origin: germline.
Comment: In summary, the available evidence is currently insufficient to determine the role of this variant in disease. Therefore, it has been classified as a Variant of Uncertain Significance. Algorithms developed to predict the effect of missense changes on protein structure and function are either unavailable or do not agree on the potential impact of this missense change (SIFT: "Tolerated"; PolyPhen-2: "Probably Damaging"; Align-GVGD: "Class C0"). This variant has not been reported in the literature in individuals affected with GMPPB-related conditions. This variant is not present in population databases (gnomAD no frequency). This sequence change replaces tryptophan, which is neutral and slightly polar, with leucine, which is neutral and non-polar, at codon 310 of the GMPPB protein (p.Trp310Leu).